The following is an entry in ClinVar:

ClinVar aggregate classification (germline): Likely benign (1 of 4 stars; one submission).

Allele frequency attached by ClinVar (database versions not stated): gnomAD exomes 0.00001; TOPMed 0.00002; gnomAD 0.00003.

Submission:

CeGaT Center for Human Genetics Tuebingen
Classification: Likely benign. Last evaluated: 2022-03-01. Review status: criteria provided, single submitter. Criteria: CeGaT Center For Human Genetics Tuebingen Variant Classification Criteria Version 2. Collection method: clinical testing. Allele origin: germline. Affected: yes. Observed: 1 variant allele.
Comment: PKD1: BP4, BP7

NM_001009944.3(PKD1):c.177C>G (p.Leu59=)

Gene: PKD1 (polycystin 1, transient receptor potential channel interacting; minus strand). Cytogenetic location: 16p13.3.
Variant type: single nucleotide variant.
Coding change: c.177C>G on transcript NM_001009944.3 (MANE Select); coding-DNA position 177, C replaced by G.
Protein change: p.Leu59=; no amino-acid change (leucine 59 retained).
Molecular consequence: synonymous variant.
Genome position (GRCh38, 1-based): chr16:2,135,513, G>C on the plus strand (C>G on the coding strand, the complement: PKD1 is on the minus strand). VCF-style: chr16-2135513-G-C. GRCh37 (hg19) VCF-style: chr16-2185514-G-C.
Other names: c.177C>G, p.Leu59= (NM_000296.4).
Identifiers: ClinVar variation 2646038 (VCV002646038.24), dbSNP rs926443996, ClinGen allele CA276756513.
Genomic context (GRCh38, chr16:2,135,513, plus strand): 5'-TGCCGCTGGGCCCGCTACTCACAGCGCTGTGGCGTCCGCGGGGATGCGCAGCGCGGGACC[G>C]AGCGTCCGCAGCCCGCGGCCCGAGCAGTTGACGCGGCAGGCGGCGCCGGGCGCTGGGCCG-3'
Protein context (NP_001009944.3, residues 49-69): VNCSGRGLRT[Leu59=]GPALRIPADA